The following is an entry in ClinVar:

NM_198252.3(GSN):c.98A>C (p.Asn33Thr)

Gene: GSN (gelsolin; plus strand). Cytogenetic location: 9q33.2.
Variant type: single nucleotide variant.
Coding change: c.98A>C on transcript NM_198252.3 (MANE Select); coding-DNA position 98, A replaced by C.
Protein change: p.Asn33Thr; replaces asparagine 33 with threonine.
Molecular consequence: missense variant. On other transcripts: intron variant (1).
Genome position (GRCh38, 1-based): chr9:121,302,069, A>C. VCF-style: chr9-121302069-A-C. GRCh37 (hg19) VCF-style: chr9-124064347-A-C.
Other names: c.251A>C, p.Asn84Thr (NM_000177.5); c.98A>C, p.Asn33Thr (NM_001127662.2, NM_001127664.2, NM_001127665.2 and 10 more transcripts); c.206A>C, p.Asn69Thr (NM_001127663.2); c.131A>C, p.Asn44Thr (NM_001127666.2, NM_001127667.2, NM_001353063.2 and 13 more transcripts); c.149A>C, p.Asn50Thr (NM_001258029.2); c.122A>C, p.Asn41Thr (NM_001258030.2); c.170A>C, p.Asn57Thr (NM_001353076.2); c.-458-842A>C (NM_001353078.2); short protein forms N41T, N44T, N50T, N69T, N33T, N57T, N84T.
Identifiers: ClinVar variation 1792500 (VCV001792500.2), dbSNP rs758028847, ClinGen allele CA374731737.

ClinVar aggregate classification (germline): Uncertain significance (1 of 4 stars; one submission).

Conditions:
Inborn genetic diseases. Identifiers: MedGen C0950123, MeSH D030342.

gnomAD v4.1: 1 of 1,614,170 alleles (0.000062%); no homozygotes.

Submission:

Ambry Genetics
Classification: Uncertain significance for Inborn genetic diseases. Last evaluated: 2020-12-02. Review status: criteria provided, single submitter. Criteria: Ambry Variant Classification Scheme 2023. Collection method: clinical testing. Allele origin: germline.
Comment: The p.N84T variant (also known as c.251A>C), located in coding exon 2 of the GSN gene, results from an A to C substitution at nucleotide position 251. The asparagine at codon 84 is replaced by threonine, an amino acid with similar properties. This amino acid position is well conserved in available vertebrate species. In addition, this alteration is predicted to be tolerated by in silico analysis. Since supporting evidence is limited at this time, the clinical significance of this alteration remains unclear.